The following is an entry in ClinVar:

NM_006766.5(KAT6A):c.4096A>G (p.Lys1366Glu)

Gene: KAT6A (lysine acetyltransferase 6A; minus strand). Cytogenetic location: 8p11.21.
Variant type: single nucleotide variant.
Coding change: c.4096A>G on transcript NM_006766.5 (MANE Select); coding-DNA position 4096, A replaced by G.
Protein change: p.Lys1366Glu; replaces lysine 1366 with glutamic acid.
Molecular consequence: missense variant.
Genome position (GRCh38, 1-based): chr8:41,934,124, T>C on the plus strand (A>G on the coding strand, the complement: KAT6A is on the minus strand). VCF-style: chr8-41934124-T-C. GRCh37 (hg19) VCF-style: chr8-41791642-T-C.
Other names: short protein forms K1366E.
Identifiers: ClinVar variation 3378313 (VCV003378313.1).

ClinVar aggregate classification (germline): Uncertain significance (1 of 4 stars; one submission).

Submission:

GeneDx
Classification: Uncertain significance. Last evaluated: 2024-05-13. Review status: criteria provided, single submitter. Criteria: GeneDx Variant Classification Process June 2021. Collection method: clinical testing. Allele origin: germline. Affected: yes.
Comment: Not observed at significant frequency in large population cohorts (gnomAD); In silico analysis indicates that this missense variant does not alter protein structure/function; Has not been previously published as pathogenic or benign to our knowledge